The following is an entry in ClinVar:

NM_001080517.3(SETD5):c.1808C>G (p.Pro603Arg)

Gene: SETD5 (SET domain containing 5; plus strand). Cytogenetic location: 3p25.3.
Variant type: single nucleotide variant.
Coding change: c.1808C>G on transcript NM_001080517.3 (MANE Select); coding-DNA position 1808, C replaced by G.
Protein change: p.Pro603Arg; replaces proline 603 with arginine.
Molecular consequence: missense variant.
Genome position (GRCh38, 1-based): chr3:9,447,711, C>G. VCF-style: chr3-9447711-C-G. GRCh37 (hg19) VCF-style: chr3-9489395-C-G.
Other names: c.1514C>G, p.Pro505Arg (NM_001292043.2, NM_001349451.2); short protein forms P603R, P505R.
Identifiers: ClinVar variation 2103226 (VCV002103226.4), dbSNP rs759995028, ClinGen allele CA351696847.

ClinVar aggregate classification (germline): Uncertain significance (1 of 4 stars; one submission).

Allele frequency attached by ClinVar (database versions not stated): gnomAD exomes below 0.00001.
gnomAD v4.1: 1 of 1,613,900 alleles (0.000062%); highest among the groups gnomAD compares: Non-Finnish European, 0.000085%; no homozygotes.

Submission:

Labcorp Genetics (formerly Invitae), Labcorp
Classification: Uncertain significance. Last evaluated: 2024-11-11. Review status: criteria provided, single submitter. Criteria: Invitae Variant Classification Sherloc (09022015). Collection method: clinical testing. Allele origin: germline.
Comment: This sequence change replaces proline, which is neutral and non-polar, with arginine, which is basic and polar, at codon 603 of the SETD5 protein (p.Pro603Arg). This variant is not present in population databases (gnomAD no frequency). This variant has not been reported in the literature in individuals affected with SETD5-related conditions. ClinVar contains an entry for this variant (Variation ID: 2103226). Invitae Evidence Modeling of protein sequence and biophysical properties (such as structural, functional, and spatial information, amino acid conservation, physicochemical variation, residue mobility, and thermodynamic stability) indicates that this missense variant is not expected to disrupt SETD5 protein function with a negative predictive value of 80%. In summary, the available evidence is currently insufficient to determine the role of this variant in disease. Therefore, it has been classified as a Variant of Uncertain Significance.